The following is an entry in ClinVar:

NM_007194.4(CHEK2):c.412A>G (p.Thr138Ala)

Gene: CHEK2 (checkpoint kinase 2; minus strand). Cytogenetic location: 22q12.1.
Variant type: single nucleotide variant.
Coding change: c.412A>G on transcript NM_007194.4 (MANE Select); coding-DNA position 412, A replaced by G.
Protein change: p.Thr138Ala; replaces threonine 138 with alanine.
Molecular consequence: missense variant.
Genome position (GRCh38, 1-based): chr22:28,725,275, T>C on the plus strand (A>G on the coding strand, the complement: CHEK2 is on the minus strand). VCF-style: chr22-28725275-T-C. GRCh37 (hg19) VCF-style: chr22-29121263-T-C.
Other names: c.541A>G, p.Thr181Ala (NM_001005735.3); c.-366A>G (NM_001257387.3); c.412A>G, p.Thr138Ala (NM_001349956.3, NM_145862.3); short protein forms T138A, T181A.
Identifiers: ClinVar variation 460833 (VCV000460833.14), dbSNP rs1555927202, ClinGen allele CA411107970.
Genomic context (GRCh38, chr22:28,725,275, plus strand): 5'-CCTAGATACATGGGTATTCATTACCTACCCTGAAAATCCGAAAGTGTTTCTTGCTGTATG[T>C]TCGGTATTTATCTGTTCTTTTCAGCAGTGGTTCATCAAAGCAATATTCACAGCTTTTGTC-3'
Protein context (NP_009125.1, residues 128-148): PLLKRTDKYR[Thr138Ala]YSKKHFRIFR

ClinVar aggregate classification (germline): Uncertain significance. Review status: criteria provided, multiple submitters, no conflicts (2 of 4 stars). 2 submissions from 2 submitters: Uncertain significance (2). Last evaluated 2025-08-20.

Conditions:
Familial cancer of breast. Also called: hereditary breast carcinoma; BREAST CANCER, FAMILIAL; Hereditary breast cancer. Identifiers: Orphanet 227535, MedGen C0346153, MONDO:0016419, OMIM 114480. Disease mechanism: loss of function.
Hereditary cancer-predisposing syndrome. Also called: Hereditary Cancer Syndrome; Tumor predisposition; Hereditary neoplastic syndrome; Neoplastic Syndromes, Hereditary. Identifiers: Orphanet 140162, MedGen C0027672, MeSH D009386, MONDO:0015356.

Allele frequency attached by ClinVar (database versions not stated): gnomAD exomes below 0.00001.
gnomAD v4.1: 1 of 1,614,144 alleles (0.000062%); highest among the groups gnomAD compares: Middle Eastern, 0.016%; no homozygotes.

Submissions (2):

Ambry Genetics
Classification: Uncertain significance for Hereditary cancer-predisposing syndrome. Last evaluated: 2025-08-20. Review status: criteria provided, single submitter. Criteria: Ambry Variant Classification Scheme 2023. Collection method: clinical testing. Allele origin: germline.
Comment: The p.T138A variant (also known as c.412A>G), located in coding exon 2 of the CHEK2 gene, results from an A to G substitution at nucleotide position 412. The threonine at codon 138 is replaced by alanine, an amino acid with similar properties. This amino acid position is conserved. In addition, the in silico prediction for this alteration is inconclusive. Since supporting evidence is limited at this time, the clinical significance of this alteration remains unclear.

Labcorp Genetics (formerly Invitae), Labcorp
Classification: Uncertain significance for Familial cancer of breast. Last evaluated: 2025-08-06. Review status: criteria provided, single submitter. Criteria: Invitae Variant Classification Sherloc (09022015). Collection method: clinical testing. Allele origin: germline.
Comment: This sequence change replaces threonine, which is neutral and polar, with alanine, which is neutral and non-polar, at codon 138 of the CHEK2 protein (p.Thr138Ala). This variant is not present in population databases (gnomAD no frequency). This variant has not been reported in the literature in individuals affected with CHEK2-related conditions. ClinVar contains an entry for this variant (Variation ID: 460833). An algorithm developed to predict the effect of missense changes on protein structure and function (PolyPhen-2) suggests that this variant is likely to be tolerated. In summary, the available evidence is currently insufficient to determine the role of this variant in disease. Therefore, it has been classified as a Variant of Uncertain Significance.